The following is an entry in ClinVar:

ClinVar aggregate classification (germline): Uncertain significance (1 of 4 stars; one submission).

Conditions:
Walker-Warburg congenital muscular dystrophy. Also called: Muscular dystrophy-dystroglycanopathy, type A; Walker-Warburg syndrome. Identifiers: Orphanet 899, MedGen C0265221, MONDO:0000171.
Muscular dystrophy-dystroglycanopathy (congenital with impaired intellectual development), type B, 1. Also called: MUSCULAR DYSTROPHY, CONGENITAL, POMT1-RELATED; Muscular dystrophy-dystroglycanopathy (congenital with intellectual disability), type B1. Identifiers: MedGen C5436962, MONDO:0013159, OMIM 613155.
Autosomal recessive limb-girdle muscular dystrophy type 2K. Also called: MUSCULAR DYSTROPHY-DYSTROGLYCANOPATHY (LIMB-GIRDLE), TYPE C, 1; MUSCULAR DYSTROPHY, LIMB-GIRDLE, TYPE 2K. Identifiers: Orphanet 86812, MedGen C1836373, MONDO:0012248, OMIM 609308.

Submission:

Labcorp Genetics (formerly Invitae), Labcorp
Classification: Uncertain significance for Muscular dystrophy-dystroglycanopathy (congenital with impaired intellectual development), type B, 1; Walker-Warburg congenital muscular dystrophy; Autosomal recessive limb-girdle muscular dystrophy type 2K. Last evaluated: 2022-06-13. Review status: criteria provided, single submitter. Criteria: Invitae Variant Classification Sherloc (09022015). Collection method: clinical testing. Allele origin: germline.
Comment: Algorithms developed to predict the effect of missense changes on protein structure and function output the following: SIFT: "Tolerated"; PolyPhen-2: "Benign"; Align-GVGD: "Class C0". The serine amino acid residue is found in multiple mammalian species, which suggests that this missense change does not adversely affect protein function. In summary, the available evidence is currently insufficient to determine the role of this variant in disease. Therefore, it has been classified as a Variant of Uncertain Significance. This variant has not been reported in the literature in individuals affected with POMT1-related conditions. This variant is not present in population databases (gnomAD no frequency). This sequence change replaces threonine, which is neutral and polar, with serine, which is neutral and polar, at codon 230 of the POMT1 protein (p.Thr230Ser).

NM_001077365.2(POMT1):c.689C>G (p.Thr230Ser)

Gene: POMT1 (protein O-mannosyltransferase 1; plus strand). Cytogenetic location: 9q34.13.
Variant type: single nucleotide variant.
Coding change: c.689C>G on transcript NM_001077365.2 (MANE Select); coding-DNA position 689, C replaced by G.
Protein change: p.Thr230Ser; replaces threonine 230 with serine.
Molecular consequence: missense variant. On other transcripts: non-coding transcript variant (10).
Genome position (GRCh38, 1-based): chr9:131,509,986, C>G. VCF-style: chr9-131509986-C-G. GRCh37 (hg19) VCF-style: chr9-134385373-C-G.
Other names: c.527C>G, p.Thr176Ser (NM_001077366.2, NM_001353194.2, NM_001353197.2 and 3 more transcripts); c.689C>G, p.Thr230Ser (NM_001136113.2, NM_001353193.2, NM_001374690.1 and 1 more transcripts); c.338C>G, p.Thr113Ser (NM_001136114.2, NM_001353195.2, NM_001353199.2 and 2 more transcripts); c.599C>G, p.Thr200Ser (NM_001353196.2); c.233C>G, p.Thr78Ser (NM_001353200.2, NM_001374695.1); c.-448C>G (NM_001411024.1); short protein forms T176S, T78S, T200S, T113S, T230S.
Identifiers: ClinVar variation 2004641 (VCV002004641.4), dbSNP rs2539136806, ClinGen allele CA375307440.